The following is an entry in ClinVar:

ClinVar aggregate classification (germline): Conflicting classifications of pathogenicity. Review status: criteria provided, conflicting classifications (1 of 4 stars). 2 submissions from 2 submitters: Uncertain significance (1); Likely benign (1). Last evaluated 2023-07-06.

Conditions:
Marfan syndrome (MFS). Also called: MARFAN SYNDROME, TYPE I; Marfan syndrome type 1; Marfan's syndrome; Marfan syndrome, classic; FBN1-Related Marfan Syndrome. Identifiers: Orphanet 284963, Orphanet 558, MedGen C0024796, MONDO:0007947, OMIM 154700.
Familial thoracic aortic aneurysm and aortic dissection (TAAD). Also called: Thoracic aortic aneurysms and dissections. Identifiers: Orphanet 91387, MedGen C4707243, MONDO:0019625.

Allele frequency attached by ClinVar (database versions not stated): gnomAD exomes below 0.00001.
gnomAD v4.1: 1 of 1,610,278 alleles (0.000062%); highest among the groups gnomAD compares: Non-Finnish European, 0.000085%; no homozygotes.

Submissions (2):

Labcorp Genetics (formerly Invitae), Labcorp
Classification: Likely benign for Marfan syndrome; Familial thoracic aortic aneurysm and aortic dissection. Last evaluated: 2023-07-06. Review status: criteria provided, single submitter. Criteria: Invitae Variant Classification Sherloc (09022015). Collection method: clinical testing. Allele origin: germline.

All of Us Research Program, National Institutes of Health
Classification: Uncertain significance for Marfan syndrome. Last evaluated: 2023-05-16. Review status: criteria provided, single submitter. Criteria: ACMG Guidelines, 2015. Collection method: clinical testing. Allele origin: germline. Inheritance: Autosomal dominant inheritance. Observed: 1 variant allele, 1 heterozygote.
Comment: This variant causes a T to G nucleotide substitution at the -15 position of intron 18 of the FBN1 gene. To our knowledge, functional studies have not been reported for this variant. This variant has not been reported in individuals affected with FBN1-related disorders in the literature. This variant has not been identified in the general population by the Genome Aggregation Database (gnomAD). The available evidence is insufficient to determine the role of this variant in disease conclusively. Therefore, this variant is classified as a Variant of Uncertain Significance.

This study involves interpretation of variants in research participants for the purpose of population health screening. Participant phenotype was not available at the time of variant classification. Additional details can be found in publication PMID: 35346344, PMCID: PMC8962531

NM_000138.5(FBN1):c.2168-15T>G

Gene: FBN1 (fibrillin 1; minus strand). Cytogenetic location: 15q21.1.
Variant type: single nucleotide variant.
Coding change: c.2168-15T>G on transcript NM_000138.5 (MANE Select); 15 bases into the intron before coding-DNA position 2168, T replaced by G.
Molecular consequence: intron variant.
Genome position (GRCh38, 1-based): chr15:48,497,406, A>C on the plus strand (T>G on the coding strand, the complement: FBN1 is on the minus strand). VCF-style: chr15-48497406-A-C. GRCh37 (hg19) VCF-style: chr15-48789603-A-C.
Other names: c.2168-15T>G (NM_001406716.1).
Identifiers: ClinVar variation 2949574 (VCV002949574.4), dbSNP rs2505576650, ClinGen allele CA2628335375.
Genomic context (GRCh38, chr15:48,497,406, plus strand): 5'-ATTCCATTTGGGCAAATATCAGGATCTAGTGCACATTCATTTATATCTGCACCACAAAAA[A>C]GGTCAAAATCAATTAAGATTATAAAATAAATACTGAATGAATTGTTAAAAATATAACACT-3'